The following is an entry in ClinVar:

ClinVar aggregate classification (germline): Conflicting classifications of pathogenicity. Review status: criteria provided, conflicting classifications (1 of 4 stars). 21 submissions from 17 submitters: Uncertain significance (4); Benign (3); Likely benign (10). 4 of the submissions do not count toward it. Last evaluated 2026-03-27.

Conditions:
Dilated cardiomyopathy 1G (CMD1G). Identifiers: Orphanet 154, MedGen C1858763, MONDO:0011400, OMIM 604145.
Autosomal recessive limb-girdle muscular dystrophy type 2J (LGMDR10). Also called: MUSCULAR DYSTROPHY, LIMB-GIRDLE, AUTOSOMAL RECESSIVE 10; Limb-girdle muscular dystrophy, type 2J. Identifiers: Orphanet 140922, MedGen C1837342, MONDO:0012127, OMIM 608807.
TTN-related disorder. Also called: TTN-related disorders; TTN-related condition; TTN-related disease.
Cardiovascular phenotype. Identifiers: MedGen CN230736.
Cardiomyopathy (CMYO). Also called: Cardiomyopathies. Identifiers: Orphanet 167848, MedGen C0878544, MONDO:0004994, HP:0001638. Inheritance: Various modes of inheritance.
Early-onset myopathy with fatal cardiomyopathy (CMYO5). Also called: CONGENITAL MYOPATHY 5 WITH CARDIOMYOPATHY; Salih Myopathy. Identifiers: Orphanet 289377, MedGen C2673677, MONDO:0012714, OMIM 611705. Disease mechanism: loss of function.
Myopathy, myofibrillar, 9, with early respiratory failure (MFM9). Also called: Myopathy, distal, with early respiratory failure, autosomal dominant; Hereditary myopathy with early respiratory failure; MYOPATHY, PROXIMAL, WITH EARLY RESPIRATORY MUSCLE INVOLVEMENT; EDSTROM MYOPATHY. Identifiers: Orphanet 178464, Orphanet 34521, MedGen C1863599, MONDO:0011362, OMIM 603689.
Tibial muscular dystrophy (TMD). Also called: Udd Distal Myopathy – Tibial Muscular Dystrophy; Tibial muscular dystrophy, tardive; UDD MYOPATHY. Identifiers: Orphanet 609, MedGen C1838244, MONDO:0010870, OMIM 600334.

Allele frequency attached by ClinVar (database versions not stated): ESP Exome Variant Server 0.00017; gnomAD 0.00024 and 0.00025; 1000 Genomes Project 30x 0.00078; TOPMed 0.00027; gnomAD exomes 0.00025; ExAC 0.00026; 1000 Genomes Project 0.00060.
gnomAD v4.1: 728 of 1,612,390 alleles (0.045%); highest among the groups gnomAD compares: Non-Finnish European, 0.055%; no homozygotes.

Submissions (21):

Molecular Diagnostic Laboratory for Inherited Cardiovascular Disease, Montreal Heart Institute
Classification: Likely benign. Last evaluated: 2026-03-27. Review status: criteria provided, single submitter. Criteria: ACMG Guidelines, 2015. Collection method: clinical testing. Allele origin: germline. Affected: no.
Comment: BP7

Labcorp Genetics (formerly Invitae), Labcorp
Classification: Likely benign for Dilated cardiomyopathy 1G; Autosomal recessive limb-girdle muscular dystrophy type 2J. Last evaluated: 2026-02-02. Review status: criteria provided, single submitter. Criteria: Invitae Variant Classification Sherloc (09022015). Collection method: clinical testing. Allele origin: germline.

Athena Diagnostics
Classification: Benign. Last evaluated: 2025-07-09. Review status: criteria provided, single submitter. Criteria: Athena Diagnostics Criteria. Collection method: clinical testing. Allele origin: unknown.
Comment: The frequency of this variant in the general population is higher than would generally be expected for pathogenic variants in this gene. Computational tools yielded predictions that this variant is unlikely to have an effect on normal RNA splicing. This nucleotide position exhibits low evolutionary conservation.

CeGaT Center for Human Genetics Tuebingen
Classification: Likely benign. Last evaluated: 2024-10-01. Review status: criteria provided, single submitter. Criteria: CeGaT Center For Human Genetics Tuebingen Variant Classification Criteria Version 2. Collection method: clinical testing. Allele origin: germline. Affected: yes. Observed: 3 variant alleles.
Comment: TTN: BP4, BP7

Blueprint Genetics
Classification: Likely benign. Last evaluated: 2024-09-17. Review status: criteria provided, single submitter. Criteria: ACMG Guidelines, 2015. Collection method: clinical testing. Allele origin: germline.

Revvity Omics, Revvity
Classification: Likely benign. Last evaluated: 2024-05-24. Review status: criteria provided, single submitter. Criteria: ACMG Guidelines, 2015. Collection method: clinical testing. Allele origin: germline.

CHEO Genetics Diagnostic Laboratory, Children's Hospital of Eastern Ontario
Classification: Likely benign for Cardiomyopathy. Last evaluated: 2023-05-16. Review status: criteria provided, single submitter. Criteria: ACMG Guidelines, 2015. Collection method: clinical testing. Allele origin: germline.

Women's Health and Genetics/Laboratory Corporation of America, LabCorp
Classification: Likely benign. Last evaluated: 2021-12-04. Review status: criteria provided, single submitter. Criteria: LabCorp Variant Classification Summary - May 2015. Collection method: clinical testing. Allele origin: germline.

GeneDx
Classification: Likely benign. Last evaluated: 2021-05-17. Review status: criteria provided, single submitter. Criteria: GeneDx Variant Classification Process June 2021. Collection method: clinical testing. Allele origin: germline. Affected: yes.
Comment: In silico analysis supports that this variant does not alter splicing; Nucleotide substitution has no predicted effect on splicing and is not conserved across species; Has not been previously published as pathogenic or benign to our knowledge

Eurofins Ntd Llc (ga)
Classification: Uncertain significance. Last evaluated: 2018-06-18. Review status: criteria provided, single submitter. Criteria: EGL ClinVar v180209 classification definitions. Collection method: clinical testing. Allele origin: germline. Observed: 4 variant alleles, 3 heterozygotes.

Illumina Laboratory Services, Illumina
Classification: Uncertain significance for Dilated cardiomyopathy 1G. Last evaluated: 2018-01-12. Review status: criteria provided, single submitter. Criteria: ICSL Variant Classification Criteria 13 December 2019. Collection method: clinical testing. Allele origin: germline.

Illumina Laboratory Services, Illumina
Classification: Benign for Myopathy, myofibrillar, 9, with early respiratory failure. Last evaluated: 2018-01-12. Review status: criteria provided, single submitter. Criteria: ICSL Variant Classification Criteria 13 December 2019. Collection method: clinical testing. Allele origin: germline.
Comment: This variant was observed in the ICSL laboratory as part of a predisposition screen in an ostensibly healthy population. It had not been previously curated by ICSL or reported in the Human Gene Mutation Database (HGMD: prior to June 1st, 2018), and was therefore a candidate for classification through an automated scoring system. Utilizing variant allele frequency, disease prevalence and penetrance estimates, and inheritance mode, an automated score was calculated to assess if this variant is too frequent to cause the disease. Based on the score and internal cut-off values, a variant classified as benign is not then subjected to further curation. The score for this variant resulted in a classification of benign for this disease.

Illumina Laboratory Services, Illumina
Classification: Uncertain significance for Autosomal recessive limb-girdle muscular dystrophy type 2J. Last evaluated: 2018-01-12. Review status: criteria provided, single submitter. Criteria: ICSL Variant Classification Criteria 13 December 2019. Collection method: clinical testing. Allele origin: germline.

Illumina Laboratory Services, Illumina
Classification: Benign for Tibial muscular dystrophy. Last evaluated: 2018-01-12. Review status: criteria provided, single submitter. Criteria: ICSL Variant Classification Criteria 13 December 2019. Collection method: clinical testing. Allele origin: germline.
Comment: the same text as in the submission from Illumina Laboratory Services, Illumina above.

Illumina Laboratory Services, Illumina
Classification: Uncertain significance for Early-onset myopathy with fatal cardiomyopathy. Last evaluated: 2018-01-12. Review status: criteria provided, single submitter. Criteria: ICSL Variant Classification Criteria 13 December 2019. Collection method: clinical testing. Allele origin: germline.

Ambry Genetics
Classification: Likely benign for Cardiovascular phenotype. Last evaluated: 2013-05-26. Review status: criteria provided, single submitter. Criteria: Ambry Autosomal Dominant and X-Linked criteria (10/2015). Collection method: clinical testing. Allele origin: germline. Observed: 1 variant allele.

Laboratory for Molecular Medicine, Mass General Brigham Personalized Medicine
Classification: Likely benign. Last evaluated: 2012-02-17. Review status: criteria provided, single submitter. Criteria: LMM Criteria. Collection method: clinical testing. Allele origin: germline. Observed: 3 variant alleles.
Comment: Pro10000Pro in exon 139 of TTN: This variant is not expected to have clinical si gnificance because it does not alter an amino acid residue and is not located wi thin the splice consensus sequence. Of note, this variant has been identified in 1/6604 European American chromosomes from a broad population by the NHLBI Exome Sequencing Project (dbSNP rs190604150). Pr o10000Pro in exon 139 of TTN (rs190604150; allele frequency = 1/6604) **

PreventionGenetics, part of Exact Sciences
Classification: Likely benign for TTN-related condition. Last evaluated: 2019-10-28. Review status: no assertion criteria provided. Collection method: clinical testing. Allele origin: germline. Not counted in ClinVar's aggregate classification.
Comment: This variant is classified as likely benign based on ACMG/AMP sequence variant interpretation guidelines (Richards et al. 2015 PMID: 25741868, with internal and published modifications).

Clinical Genetics, Academic Medical Center
Classification: Benign. Review status: no assertion criteria provided. Collection method: clinical testing. Allele origin: germline. Affected: yes. Study: VKGL Data-share Consensus. Not counted in ClinVar's aggregate classification.

Diagnostic Laboratory, Department of Genetics, University Medical Center Groningen
Classification: Likely benign. Review status: no assertion criteria provided. Collection method: clinical testing. Allele origin: germline. Affected: yes. Study: VKGL Data-share Consensus. Not counted in ClinVar's aggregate classification.

Joint Genome Diagnostic Labs from Nijmegen and Maastricht, Radboudumc and MUMC+
Classification: Benign. Review status: no assertion criteria provided. Collection method: clinical testing. Allele origin: germline. Affected: yes. Study: VKGL Data-share Consensus. Not counted in ClinVar's aggregate classification.

Literature cited by the submitters: PubMed 24503780 (cited by Athena Diagnostics).

NM_001267550.2(TTN):c.33732G>A (p.Pro11244=)

Gene: TTN (titin; minus strand). Cytogenetic location: 2q31.2.
Variant type: single nucleotide variant.
Coding change: c.33732G>A on transcript NM_001267550.2 (MANE Select); coding-DNA position 33732, G replaced by A.
Protein change: p.Pro11244=; no amino-acid change (proline 11244 retained).
Molecular consequence: synonymous variant. On other transcripts: intron variant (3).
Genome position (GRCh38, 1-based): chr2:178,679,349, C>T on the plus strand (G>A on the coding strand, the complement: TTN is on the minus strand). VCF-style: chr2-178679349-C-T. GRCh37 (hg19) VCF-style: chr2-179544076-C-T.
Other names: p.P10927P:CCG>CCA; c.32781G>A, p.Pro10927= (NM_001256850.1); c.30000G>A, p.Pro10000= (NM_133378.4); c.13283-37032G>A (NM_003319.4); c.13859-37032G>A (NM_133437.4); c.13658-37032G>A (NM_133432.3).
Identifiers: ClinVar variation 46890 (VCV000046890.60), dbSNP rs190604150, ClinGen allele CA283153.